The following is an entry in ClinVar:

ClinVar aggregate classification (germline): Uncertain significance (1 of 4 stars; one submission).

Submission:

Labcorp Genetics (formerly Invitae), Labcorp
Classification: Uncertain significance. Last evaluated: 2025-11-28. Review status: criteria provided, single submitter. Criteria: Invitae Variant Classification Sherloc (09022015). Collection method: clinical testing. Allele origin: germline.
Comment: This sequence change falls in intron 6 of the PRPF3 gene. It does not directly change the encoded amino acid sequence of the PRPF3 protein. It affects a nucleotide within the consensus splice site. This variant is not present in population databases (gnomAD no frequency). This variant has not been reported in the literature in individuals affected with PRPF3-related conditions. Variants that disrupt the consensus splice site are a relatively common cause of aberrant splicing (PMID: 17576681, 9536098). Algorithms developed to predict the effect of sequence changes on RNA splicing suggest that this variant is not likely to affect RNA splicing. In summary, the available evidence is currently insufficient to determine the role of this variant in disease. Therefore, it has been classified as a Variant of Uncertain Significance.

Literature cited by the submitters: PubMed 17576681; PubMed 9536098.

NM_004698.4(PRPF3):c.729-3C>T

Gene: PRPF3 (pre-mRNA processing factor 3; plus strand). Cytogenetic location: 1q21.2.
Variant type: single nucleotide variant.
Coding change: c.729-3C>T on transcript NM_004698.4 (MANE Select); 3 bases into the intron before coding-DNA position 729, C replaced by T.
Molecular consequence: intron variant.
Genome position (GRCh38, 1-based): chr1:150,334,932, C>T. VCF-style: chr1-150334932-C-T. GRCh37 (hg19) VCF-style: chr1-150307403-C-T.
Other names: c.324-3C>T (NM_001350529.1).
Identifiers: ClinVar variation 4799037 (VCV004799037.1).
Genomic context (GRCh38, chr1:150,334,932, plus strand): 5'-TTTTGTTTTTTGCTTGCCTTAATGTTCCATACAGGATTTATTTCTTTGCGGGCTATTTTT[C>T]AGGAAGGTGGAGTTAAAAGACCAAACGAAACCTACACCACTGATCCTGGATGAGCAAGGG-3'